The following is an entry in ClinVar:

NM_006231.4(POLE):c.3428A>G (p.Lys1143Arg)

Gene: POLE (DNA polymerase epsilon, catalytic subunit; minus strand). Cytogenetic location: 12q24.33.
Variant type: single nucleotide variant.
Coding change: c.3428A>G on transcript NM_006231.4 (MANE Select); coding-DNA position 3428, A replaced by G.
Protein change: p.Lys1143Arg; replaces lysine 1143 with arginine.
Molecular consequence: missense variant.
Genome position (GRCh38, 1-based): chr12:132,657,380, T>C on the plus strand (A>G on the coding strand, the complement: POLE is on the minus strand). VCF-style: chr12-132657380-T-C. GRCh37 (hg19) VCF-style: chr12-133233966-T-C.
Other names: short protein forms K1143R.
Identifiers: ClinVar variation 4141063 (VCV004141063.2).

ClinVar aggregate classification (germline): Uncertain significance. Review status: criteria provided, multiple submitters, no conflicts (2 of 4 stars). 2 submissions from 2 submitters: Uncertain significance (2). Last evaluated 2025-09-05.

Conditions:
Hereditary cancer-predisposing syndrome. Also called: Hereditary neoplastic syndrome; Neoplastic Syndromes, Hereditary; Tumor predisposition; Hereditary Cancer Syndrome. Identifiers: Orphanet 140162, MedGen C0027672, MeSH D009386, MONDO:0015356.

Submissions (2):

Labcorp Genetics (formerly Invitae), Labcorp
Classification: Uncertain significance. Last evaluated: 2025-09-05. Review status: criteria provided, single submitter. Criteria: Invitae Variant Classification Sherloc (09022015). Collection method: clinical testing. Allele origin: germline.
Comment: This sequence change replaces lysine, which is basic and polar, with arginine, which is basic and polar, at codon 1143 of the POLE protein (p.Lys1143Arg). This variant is not present in population databases (gnomAD no frequency). This variant has not been reported in the literature in individuals affected with POLE-related conditions. Invitae Evidence Modeling of protein sequence and biophysical properties (such as structural, functional, and spatial information, amino acid conservation, physicochemical variation, residue mobility, and thermodynamic stability) indicates that this missense variant is expected to disrupt POLE protein function with a positive predictive value of 80%. In summary, the available evidence is currently insufficient to determine the role of this variant in disease. Therefore, it has been classified as a Variant of Uncertain Significance.

Ambry Genetics
Classification: Uncertain significance for Hereditary cancer-predisposing syndrome. Last evaluated: 2025-08-29. Review status: criteria provided, single submitter. Criteria: Ambry Variant Classification Scheme 2023. Collection method: clinical testing. Allele origin: germline.
Comment: The p.K1143R variant (also known as c.3428A>G), located in coding exon 28 of the POLE gene, results from an A to G substitution at nucleotide position 3428. The lysine at codon 1143 is replaced by arginine, an amino acid with highly similar properties. This amino acid position is conserved. In addition, the in silico prediction for this alteration is inconclusive. Based on the available evidence, the clinical significance of this variant remains unclear.